The following is an entry in ClinVar:

ClinVar aggregate classification (germline): Uncertain significance (1 of 4 stars; one submission).

Conditions:
Inflammatory skin and bowel disease, neonatal, 1. Identifiers: Orphanet 294023, MedGen C3280501, MONDO:0013693, OMIM 614328.

Allele frequency attached by ClinVar (database versions not stated): gnomAD 0.00001; gnomAD exomes 0.00001.
gnomAD v4.1: 6 of 1,409,808 alleles (0.00043%); highest among the groups gnomAD compares: Non-Finnish European, 0.00056%; no homozygotes.

Submission:

Labcorp Genetics (formerly Invitae), Labcorp
Classification: Uncertain significance for Inflammatory skin and bowel disease, neonatal, 1. Last evaluated: 2020-06-12. Review status: criteria provided, single submitter. Criteria: Invitae Variant Classification Sherloc (09022015). Collection method: clinical testing. Allele origin: germline.
Comment: This sequence change replaces isoleucine with methionine at codon 325 of the ADAM17 protein (p.Ile325Met). The isoleucine residue is moderately conserved and there is a small physicochemical difference between isoleucine and methionine. This variant is not present in population databases (ExAC no frequency). This variant has not been reported in the literature in individuals with ADAM17-related conditions. Algorithms developed to predict the effect of missense changes on protein structure and function are either unavailable or do not agree on the potential impact of this missense change (SIFT: "Not Available"; PolyPhen-2: "Possibly Damaging"; Align-GVGD: "Not Available"). In summary, the available evidence is currently insufficient to determine the role of this variant in disease. Therefore, it has been classified as a Variant of Uncertain Significance.

NM_003183.6(ADAM17):c.975A>G (p.Ile325Met)

Gene: ADAM17 (ADAM metallopeptidase domain 17; minus strand). Cytogenetic location: 2p25.1.
Variant type: single nucleotide variant.
Coding change: c.975A>G on transcript NM_003183.6 (MANE Select); coding-DNA position 975, A replaced by G.
Protein change: p.Ile325Met; replaces isoleucine 325 with methionine.
Molecular consequence: missense variant.
Genome position (GRCh38, 1-based): chr2:9,518,230, T>C on the plus strand (A>G on the coding strand, the complement: ADAM17 is on the minus strand). VCF-style: chr2-9518230-T-C. GRCh37 (hg19) VCF-style: chr2-9658359-T-C.
Other names: c.315A>G, p.Ile105Met (NM_001382777.1); c.78A>G, p.Ile26Met (NM_001382778.1); short protein forms I26M, I105M, I325M.
Identifiers: ClinVar variation 1044590 (VCV001044590.7), dbSNP rs1222914560, ClinGen allele CA345780517.